The following is an entry in ClinVar:

ClinVar aggregate classification (germline): Uncertain significance. Review status: criteria provided, multiple submitters, no conflicts (2 of 4 stars). 3 submissions from 3 submitters: Uncertain significance (3). Last evaluated 2023-07-29.

Conditions:
Hereditary cancer-predisposing syndrome. Also called: Neoplastic Syndromes, Hereditary; Tumor predisposition; Hereditary Cancer Syndrome; Hereditary neoplastic syndrome. Identifiers: Orphanet 140162, MedGen C0027672, MeSH D009386, MONDO:0015356.
Hereditary nonpolyposis colorectal neoplasms. Identifiers: MedGen C0009405, MeSH D003123.

Submissions (3):

Labcorp Genetics (formerly Invitae), Labcorp
Classification: Uncertain significance for Hereditary nonpolyposis colorectal neoplasms. Last evaluated: 2023-07-29. Review status: criteria provided, single submitter. Criteria: Invitae Variant Classification Sherloc (09022015). Collection method: clinical testing. Allele origin: germline.
Comment: In summary, the available evidence is currently insufficient to determine the role of this variant in disease. Therefore, it has been classified as a Variant of Uncertain Significance. This variant is not present in population databases (gnomAD no frequency). This sequence change replaces valine, which is neutral and non-polar, with methionine, which is neutral and non-polar, at codon 282 of the MSH6 protein (p.Val282Met). This variant has not been reported in the literature in individuals affected with MSH6-related conditions. ClinVar contains an entry for this variant (Variation ID: 926030). Advanced modeling of protein sequence and biophysical properties (such as structural, functional, and spatial information, amino acid conservation, physicochemical variation, residue mobility, and thermodynamic stability) performed at Invitae indicates that this missense variant is not expected to disrupt MSH6 protein function.

Ambry Genetics
Classification: Uncertain significance for Hereditary cancer-predisposing syndrome. Last evaluated: 2020-12-10. Review status: criteria provided, single submitter. Criteria: Ambry Variant Classification Scheme 2023. Collection method: clinical testing. Allele origin: germline.
Comment: The p.V282M variant (also known as c.844G>A), located in coding exon 4 of the MSH6 gene, results from a G to A substitution at nucleotide position 844. The valine at codon 282 is replaced by methionine, an amino acid with highly similar properties. This amino acid position is not well conserved in available vertebrate species. In addition, this alteration is predicted to be tolerated by in silico analysis. Since supporting evidence is limited at this time, the clinical significance of this alteration remains unclear.

Color Diagnostics, LLC DBA Color Health
Classification: Uncertain significance for Hereditary cancer-predisposing syndrome. Last evaluated: 2020-03-10. Review status: criteria provided, single submitter. Criteria: ACMG Guidelines, 2015. Collection method: clinical testing. Allele origin: germline.
Comment: This missense variant replaces valine with methionine at codon 282 of the MSH6 protein. Computational prediction suggests that this variant may not impact protein structure and function (internally defined REVEL score threshold <= 0.5, PMID: 27666373). Splice site prediction tools suggest that this variant may not impact RNA splicing. To our knowledge, functional studies have not been reported for this variant. This variant has not been reported in individuals affected with hereditary cancer in the literature. This variant has not been identified in the general population by the Genome Aggregation Database (gnomAD). The available evidence is insufficient to determine the role of this variant in disease conclusively. Therefore, this variant is classified as a Variant of Uncertain Significance.

NM_000179.3(MSH6):c.844G>A (p.Val282Met)

Gene: MSH6 (mutS homolog 6; plus strand). Cytogenetic location: 2p16.3.
Variant type: single nucleotide variant.
Coding change: c.844G>A on transcript NM_000179.3 (MANE Select); coding-DNA position 844, G replaced by A.
Protein change: p.Val282Met; replaces valine 282 with methionine.
Molecular consequence: missense variant. On other transcripts: 5 prime UTR variant (2).
Genome position (GRCh38, 1-based): chr2:47,798,827, G>A. VCF-style: chr2-47798827-G-A. GRCh37 (hg19) VCF-style: chr2-48025966-G-A.
Other names: c.454G>A, p.Val152Met (NM_001281492.2); c.-63G>A (NM_001281493.2, NM_001281494.2); short protein forms V282M, V152M.
Identifiers: ClinVar variation 926030 (VCV000926030.11), dbSNP rs1572720532, ClinGen allele CA346740523.